The following is an entry in ClinVar:

NM_000214.3(JAG1):c.275G>T (p.Cys92Phe)

Gene: JAG1 (jagged canonical Notch ligand 1; minus strand). Cytogenetic location: 20p12.2.
Variant type: single nucleotide variant.
Coding change: c.275G>T on transcript NM_000214.3 (MANE Select); coding-DNA position 275, G replaced by T.
Protein change: p.Cys92Phe; replaces cysteine 92 with phenylalanine.
Molecular consequence: missense variant.
Genome position (GRCh38, 1-based): chr20:10,672,813, C>A on the plus strand (G>T on the coding strand, the complement: JAG1 is on the minus strand). VCF-style: chr20-10672813-C-A. GRCh37 (hg19) VCF-style: chr20-10653461-C-A.
Other names: short protein forms C92F.
Identifiers: ClinVar variation 3573433 (VCV003573433.2).

Conditions:
Arteriohepatic dysplasia. Also called: Alagille Syndrome. Identifiers: Orphanet 52, MedGen C0085280, MeSH D016738, MONDO:0007318.

Submission:

Gilbert/Spinner Lab, Children's Hospital of Philadelphia
No classification provided (evidence only). Condition: Alagille syndrome. Review status: no classification provided. Collection method: research. Allele origin: not applicable. Functional consequence: functionally_abnormal.
ClinVar note: "not provided" was previously submitted as the classification for the variant. However, the classification appeared to be based only on an observation of functional data so it was converted to no classification on 2025-07-30.